The following is an entry in ClinVar:

NM_001099289.3(SH3RF3):c.1307C>T (p.Ser436Phe)

Genes: RANBP2 (RAN binding protein 2; plus strand), SH3RF3 (SH3 domain containing ring finger 3; plus strand). Cytogenetic location: 2q13.
Variant type: single nucleotide variant.
Coding change: c.1307C>T on transcript NM_001099289.3 (MANE Select); coding-DNA position 1307, C replaced by T.
Protein change: p.Ser436Phe; replaces serine 436 with phenylalanine.
Molecular consequence: missense variant.
Genome position (GRCh38, 1-based): chr2:109,419,546, C>T. VCF-style: chr2-109419546-C-T. GRCh37 (hg19) VCF-style: chr2-110036002-C-T.
Other names: short protein forms S436F.
Identifiers: ClinVar variation 3318143 (VCV003318143.1).

ClinVar aggregate classification (germline): Uncertain significance (1 of 4 stars; one submission).

gnomAD v4.1: 2 of 1,594,900 alleles (0.00013%); highest among the groups gnomAD compares: Admixed American, 0.0017%; no homozygotes.

Submission:

Ambry Genetics
Classification: Uncertain significance. Last evaluated: 2024-06-07. Review status: criteria provided, single submitter. Criteria: Ambry Variant Classification Scheme 2023. Collection method: clinical testing. Allele origin: germline.
Comment: The c.1307C>T (p.S436F) alteration is located in exon (coding exon ) of the SH3RF3 gene. This alteration results from a C to T substitution at nucleotide position 1307, causing the serine (S) at amino acid position 436 to be replaced by a phenylalanine (F). Based on insufficient or conflicting evidence, the clinical significance of this alteration remains unclear.